The following is an entry in ClinVar:

ClinVar aggregate classification (germline): Uncertain significance (1 of 4 stars; one submission).

gnomAD v4.1: 10 of 1,613,836 alleles (0.00062%); highest among the groups gnomAD compares: Non-Finnish European, 0.00085%; no homozygotes.

Submission:

GeneDx
Classification: Uncertain significance. Last evaluated: 2025-10-06. Review status: criteria provided, single submitter. Criteria: GeneDx Variant Classification Process June 2021. Collection method: clinical testing. Allele origin: germline.
Comment: Has not been previously published as pathogenic or benign to our knowledge; In silico analysis suggests that this missense variant does not alter protein structure/function; This variant is associated with the following publications: (PMID: 22571692)

NM_003119.4(SPG7):c.1861C>G (p.Gln621Glu)

Gene: SPG7 (SPG7 matrix AAA peptidase subunit, paraplegin; plus strand). Cytogenetic location: 16q24.3.
Variant type: single nucleotide variant.
Coding change: c.1861C>G on transcript NM_003119.4 (MANE Select); coding-DNA position 1861, C replaced by G.
Protein change: p.Gln621Glu; replaces glutamine 621 with glutamic acid.
Molecular consequence: missense variant.
Genome position (GRCh38, 1-based): chr16:89,553,060, C>G. VCF-style: chr16-89553060-C-G. GRCh37 (hg19) VCF-style: chr16-89619468-C-G.
Other names: c.1861C>G, p.Gln621Glu (NM_001363850.1); short protein forms Q621E.
Identifiers: ClinVar variation 4074714 (VCV004074714.2).
Genomic context (GRCh38, chr16:89,553,060, plus strand): 5'-AACGCCGCCCTGGGCTTTGCTCAGATGCTCCCCAGAGACCAGCACCTCTTCACCAAGGAG[C>G]AGCTGTTTGAGCGGATGTGCATGGCCCTGGGAGGACGGGCCTCGGAAGCACTGTCCTTCA-3'
Protein context (NP_003110.1, residues 611-631): PRDQHLFTKE[Gln621Glu]LFERMCMALG